The following is an entry in ClinVar:

ClinVar aggregate classification (germline): Uncertain significance (1 of 4 stars; one submission).

gnomAD v4.1: 22 of 1,551,592 alleles (0.0014%); highest among the groups gnomAD compares: Non-Finnish European, 0.0019%; no homozygotes.

Submission:

Labcorp Genetics (formerly Invitae), Labcorp
Classification: Uncertain significance. Last evaluated: 2021-12-16. Review status: criteria provided, single submitter. Criteria: Invitae Variant Classification Sherloc (09022015). Collection method: clinical testing. Allele origin: germline.
Comment: This sequence change replaces threonine, which is neutral and polar, with arginine, which is basic and polar, at codon 584 of the LOXHD1 protein (p.Thr584Arg). This variant is present in population databases (no rsID available, gnomAD 0.002%). This variant has not been reported in the literature in individuals affected with LOXHD1-related conditions. Algorithms developed to predict the effect of missense changes on protein structure and function are either unavailable or do not agree on the potential impact of this missense change (SIFT: "Deleterious"; PolyPhen-2: "Benign"; Align-GVGD: "Class C0"). Algorithms developed to predict the effect of sequence changes on RNA splicing suggest that this variant may create or strengthen a splice site. In summary, the available evidence is currently insufficient to determine the role of this variant in disease. Therefore, it has been classified as a Variant of Uncertain Significance.

NM_001384474.1(LOXHD1):c.1751C>G (p.Thr584Arg)

Gene: LOXHD1 (lipoxygenase homology PLAT domains 1; minus strand). Cytogenetic location: 18q21.1.
Variant type: single nucleotide variant.
Coding change: c.1751C>G on transcript NM_001384474.1 (MANE Select); coding-DNA position 1751, C replaced by G.
Protein change: p.Thr584Arg; replaces threonine 584 with arginine.
Molecular consequence: missense variant.
Genome position (GRCh38, 1-based): chr18:46,579,688, G>C on the plus strand (C>G on the coding strand, the complement: LOXHD1 is on the minus strand). VCF-style: chr18-46579688-G-C. GRCh37 (hg19) VCF-style: chr18-44159651-G-C.
Other names: c.1751C>G, p.Thr584Arg (NM_144612.7); short protein forms T584R.
Identifiers: ClinVar variation 2195677 (VCV002195677.1), dbSNP rs747842788, ClinGen allele CA402378981.